The following is an entry in ClinVar:

ClinVar aggregate classification (germline): Likely pathogenic (1 of 4 stars; one submission).

Conditions:
Neurodevelopmental disorder with speech impairment and dysmorphic facies. Identifiers: MedGen C5436699, MONDO:0033630, OMIM 619056.

Submission:

Institute of Human Genetics, University of Leipzig Medical Center
Classification: Likely pathogenic for Neurodevelopmental disorder with speech impairment and dysmorphic facies. Last evaluated: 2022-10-12. Review status: criteria provided, single submitter. Criteria: ACMG Guidelines, 2015. Collection method: clinical testing. Allele origin: unknown. Affected: yes.
Comment: _x000D_ Criteria applied: PVS1, PM2_SUP

NM_014712.3(SETD1A):c.2569G>T (p.Glu857Ter)

Gene: SETD1A (SET domain containing 1A, histone lysine methyltransferase; plus strand). Cytogenetic location: 16p11.2.
Variant type: single nucleotide variant.
Coding change: c.2569G>T on transcript NM_014712.3 (MANE Select); coding-DNA position 2569, G replaced by T.
Protein change: p.Glu857Ter; replaces glutamic acid 857 with a stop codon.
Molecular consequence: nonsense.
Genome position (GRCh38, 1-based): chr16:30,966,947, G>T. VCF-style: chr16-30966947-G-T. GRCh37 (hg19) VCF-style: chr16-30978268-G-T.
Other names: short protein forms E857*.
Identifiers: ClinVar variation 1712332 (VCV001712332.1), dbSNP rs2543866311, ClinGen allele CA395620609.
Genomic context (GRCh38, chr16:30,966,947, plus strand): 5'-TTCCAGAACGCGGCCAAGCAGCAAGCCAAGGAGGAGGATAAAGAGAAGACGAAGCTGAAG[G>T]AGCCTGGCCTGCTGTCCCTCGTGGACTGGGCCAAGAGCGGGGGCACTACGGGCATCGAGG-3'